The following is an entry in ClinVar:

NM_000051.4(ATM):c.7116T>C (p.Asp2372=)

Genes: C11orf65 (chromosome 11 open reading frame 65; minus strand), ATM (ATM serine/threonine kinase; plus strand). Cytogenetic location: 11q22.3.
Variant type: single nucleotide variant.
Coding change: c.7116T>C on transcript NM_000051.4 (MANE Select); coding-DNA position 7116, T replaced by C.
Protein change: p.Asp2372=; no amino-acid change (aspartic acid 2372 retained).
Molecular consequence: synonymous variant. On other transcripts: intron variant (2).
Genome position (GRCh38, 1-based): chr11:108,329,047, T>C. VCF-style: chr11-108329047-T-C. GRCh37 (hg19) VCF-style: chr11-108199774-T-C.
Other names: c.7116T>C, p.Asp2372= (NM_001351834.2); c.641-19976A>G (NM_001330368.2); c.*38+6173A>G (NM_001351110.2).
Identifiers: ClinVar variation 187526 (VCV000187526.26), dbSNP rs3218675, ClinGen allele CA197873.

ClinVar aggregate classification (germline): Benign/Likely benign. Review status: criteria provided, multiple submitters, no conflicts (2 of 4 stars). 10 submissions from 10 submitters: Benign (2); Likely benign (8). Last evaluated 2026-02-02.

Conditions:
Breast and/or ovarian cancer. Identifiers: MedGen CN221562.
Hereditary cancer-predisposing syndrome. Also called: Hereditary Cancer Syndrome; Tumor predisposition; Neoplastic Syndromes, Hereditary; Hereditary neoplastic syndrome. Identifiers: Orphanet 140162, MedGen C0027672, MeSH D009386, MONDO:0015356.
Ataxia-telangiectasia syndrome (AT). Also called: ATAXIA-TELANGIECTASIA, COMPLEMENTATION GROUP A; ATAXIA-TELANGIECTASIA, FRESNO VARIANT; Ataxia-telangiectasia; Ataxia-telangiectasia, complementation group E; Cerebello-oculocutaneous telangiectasia; Immunodeficiency with ataxia telangiectasia. Identifiers: Orphanet 100, MedGen C0004135, MONDO:0008840, OMIM 208900.
Familial cancer of breast. Also called: hereditary breast carcinoma; BREAST CANCER, FAMILIAL; Hereditary breast cancer. Identifiers: Orphanet 227535, MedGen C0346153, MONDO:0016419, OMIM 114480. Disease mechanism: loss of function.

Allele frequency attached by ClinVar (database versions not stated): TOPMed 0.00002; ExAC 0.00002; gnomAD exomes 0.00001 and 0.00002; gnomAD 0.00001.
gnomAD v4.1: 11 of 1,613,986 alleles (0.00068%); highest among the groups gnomAD compares: African/African-American, 0.0027%; no homozygotes.

Submissions (10):

Labcorp Genetics (formerly Invitae), Labcorp
Classification: Likely benign for Ataxia-telangiectasia syndrome. Last evaluated: 2026-02-02. Review status: criteria provided, single submitter. Criteria: Invitae Variant Classification Sherloc (09022015). Collection method: clinical testing. Allele origin: germline.

Quest Diagnostics Nichols Institute San Juan Capistrano
Classification: Likely benign. Last evaluated: 2025-05-15. Review status: criteria provided, single submitter. Criteria: Quest Diagnostics criteria. Collection method: clinical testing. Allele origin: unknown.

Blueprint Genetics
Classification: Likely benign. Last evaluated: 2024-11-04. Review status: criteria provided, single submitter. Criteria: ACMG Guidelines, 2015. Collection method: clinical testing. Allele origin: germline.

Myriad Genetics, Inc.
Classification: Benign for Familial cancer of breast. Last evaluated: 2024-06-13. Review status: criteria provided, single submitter. Criteria: Myriad Autosomal Dominant, Autosomal Recessive and X-Linked Classification Criteria (2023). Collection method: clinical testing. Allele origin: unknown.
Comment: This variant is considered benign. This variant is a silent/synonymous amino acid change and it is not expected to impact splicing.

Women's Health and Genetics/Laboratory Corporation of America, LabCorp
Classification: Likely benign. Last evaluated: 2021-03-12. Review status: criteria provided, single submitter. Criteria: LabCorp Variant Classification Summary - May 2015. Collection method: clinical testing. Allele origin: germline.

Department of Pathology and Laboratory Medicine, Sinai Health System
Classification: Likely benign for Familial cancer of breast. Last evaluated: 2021-03-03. Review status: criteria provided, single submitter. Criteria: ACMG Guidelines, 2015. Collection method: clinical testing. Allele origin: germline. Affected: yes.

CHEO Genetics Diagnostic Laboratory, Children's Hospital of Eastern Ontario
Classification: Likely benign for Breast and/or ovarian cancer. Last evaluated: 2021-01-05. Review status: criteria provided, single submitter. Criteria: ACMG Guidelines, 2015. Collection method: clinical testing. Allele origin: germline.

Color Diagnostics, LLC DBA Color Health
Classification: Likely benign for Hereditary cancer-predisposing syndrome. Last evaluated: 2016-07-05. Review status: criteria provided, single submitter. Criteria: ACMG Guidelines, 2015. Collection method: clinical testing. Allele origin: germline.

GeneDx
Classification: Benign. Last evaluated: 2015-08-26. Review status: criteria provided, single submitter. Criteria: GeneDx Variant Classification Process June 2021. Collection method: clinical testing. Allele origin: germline. Affected: yes.

Ambry Genetics
Classification: Likely benign for Hereditary cancer-predisposing syndrome. Last evaluated: 2014-12-11. Review status: criteria provided, single submitter. Criteria: Ambry Variant Classification Scheme 2023. Collection method: clinical testing. Allele origin: germline.